The following is an entry in ClinVar:

ClinVar aggregate classification (germline): Pathogenic (1 of 4 stars; one submission).

Submission:

Labcorp Genetics (formerly Invitae), Labcorp
Classification: Pathogenic. Last evaluated: 2023-10-13. Review status: criteria provided, single submitter. Criteria: Invitae Variant Classification Sherloc (09022015). Collection method: clinical testing. Allele origin: germline.
Comment: A gross deletion of the genomic region encompassing the full coding sequence of the ARID1B gene has been identified. Loss-of-function variants in ARID1B are known to be pathogenic (PMID: 25674384, 30349098). The boundaries of this event are unknown as they extend beyond the assayed region for this gene and therefore may encompass additional genes. This variant has not been reported in the literature in individuals affected with ARID1B-related conditions. For these reasons, this variant has been classified as Pathogenic.

Literature cited by the submitters: PubMed 25674384; PubMed 30349098.

NC_000006.11:g.(?_157099064)_(157529025_?)del

Gene: ARID1B (AT-rich interaction domain 1B; plus strand). Cytogenetic location: 6q25.3.
Variant type: Deletion.
Identifiers: ClinVar variation 2426582 (VCV002426582.4).